The following is an entry in ClinVar:

NM_020937.4(FANCM):c.745G>C (p.Gly249Arg)

Gene: FANCM (FA complementation group M; plus strand). Cytogenetic location: 14q21.2.
Variant type: single nucleotide variant.
Coding change: c.745G>C on transcript NM_020937.4 (MANE Select); coding-DNA position 745, G replaced by C.
Protein change: p.Gly249Arg; replaces glycine 249 with arginine.
Molecular consequence: missense variant. On other transcripts: intron variant (1).
Genome position (GRCh38, 1-based): chr14:45,140,695, G>C. VCF-style: chr14-45140695-G-C. GRCh37 (hg19) VCF-style: chr14-45609898-G-C.
Other names: c.745G>C, p.Gly249Arg (NM_001308134.2); c.681+3454G>C (NM_001308133.2); short protein forms G249R.
Identifiers: ClinVar variation 3717086 (VCV003717086.3).
Genomic context (GRCh38, chr14:45,140,695, plus strand): 5'-GTAAGAGAACTAGTCAAATATACAAATCACTTTAGAATCTTGGCTCTAAGTGCCACACCA[G>C]GTAGTGATATAAAGGTAAGTAAAATGTTTTTCCATTTATTACAGTTAAGAAAATAAAGCT-3'
Protein context (NP_065988.1, residues 239-259): FRILALSATP[Gly249Arg]SDIKAVQQVI

ClinVar aggregate classification (germline): Uncertain significance. Review status: criteria provided, multiple submitters, no conflicts (2 of 4 stars). 2 submissions from 2 submitters: Uncertain significance (2). Last evaluated 2025-07-05.

Conditions:
Inborn genetic diseases. Identifiers: MedGen C0950123, MeSH D030342.
Fanconi anemia (FA). Also called: Fanconi's anemia. Identifiers: Orphanet 84, MedGen C0015625, MeSH D005199, MONDO:0019391.

gnomAD v4.1: 1 of 1,586,420 alleles (0.000063%); highest among the groups gnomAD compares: Non-Finnish European, 0.000087%; no homozygotes.

Submissions (2):

Ambry Genetics
Classification: Uncertain significance for Inborn genetic diseases. Last evaluated: 2025-07-05. Review status: criteria provided, single submitter. Criteria: Ambry Variant Classification Scheme 2023. Collection method: clinical testing. Allele origin: germline.
Comment: The p.G249R variant (also known as c.745G>C), located in coding exon 3 of the FANCM gene, results from a G to C substitution at nucleotide position 745. The glycine at codon 249 is replaced by arginine, an amino acid with dissimilar properties. This amino acid position is conserved. In addition, the in silico prediction for this alteration is inconclusive. Based on the available evidence, the clinical significance of this variant remains unclear.

Labcorp Genetics (formerly Invitae), Labcorp
Classification: Uncertain significance for Fanconi anemia. Last evaluated: 2024-09-14. Review status: criteria provided, single submitter. Criteria: Invitae Variant Classification Sherloc (09022015). Collection method: clinical testing. Allele origin: germline.
Comment: This sequence change replaces glycine, which is neutral and non-polar, with arginine, which is basic and polar, at codon 249 of the FANCM protein (p.Gly249Arg). This variant is not present in population databases (gnomAD no frequency). This variant has not been reported in the literature in individuals affected with FANCM-related conditions. An algorithm developed to predict the effect of missense changes on protein structure and function (PolyPhen-2) suggests that this variant is likely to be disruptive. In summary, the available evidence is currently insufficient to determine the role of this variant in disease. Therefore, it has been classified as a Variant of Uncertain Significance.